The following is an entry in ClinVar:

NM_003190.5(TAPBP):c.59C>T (p.Ala20Val)

Gene: TAPBP (TAP binding protein; minus strand). Cytogenetic location: 6p21.32.
Variant type: single nucleotide variant.
Coding change: c.59C>T on transcript NM_003190.5 (MANE Select); coding-DNA position 59, C replaced by T.
Protein change: p.Ala20Val; replaces alanine 20 with valine.
Molecular consequence: missense variant.
Genome position (GRCh38, 1-based): chr6:33,313,843, G>A on the plus strand (C>T on the coding strand, the complement: TAPBP is on the minus strand). VCF-style: chr6-33313843-G-A. GRCh37 (hg19) VCF-style: chr6-33281620-G-A.
Other names: c.59C>T, p.Ala20Val (NM_001410875.1, NM_172208.3, NM_172209.3); short protein forms A20V.
Identifiers: ClinVar variation 1901174 (VCV001901174.5), dbSNP rs1769578318, ClinGen allele CA363623526.

ClinVar aggregate classification (germline): Uncertain significance (1 of 4 stars; one submission).

Conditions:
MHC class I deficiency. Identifiers: Orphanet 34592, MedGen C6024714, MONDO:0011476.

Allele frequency attached by ClinVar (database versions not stated): TOPMed below 0.00001.

Submission:

Labcorp Genetics (formerly Invitae), Labcorp
Classification: Uncertain significance for MHC class I deficiency 1. Last evaluated: 2021-12-12. Review status: criteria provided, single submitter. Criteria: Invitae Variant Classification Sherloc (09022015). Collection method: clinical testing. Allele origin: germline.
Comment: Algorithms developed to predict the effect of sequence changes on RNA splicing suggest that this variant may create or strengthen a splice site. In summary, the available evidence is currently insufficient to determine the role of this variant in disease. Therefore, it has been classified as a Variant of Uncertain Significance. Algorithms developed to predict the effect of missense changes on protein structure and function are either unavailable or do not agree on the potential impact of this missense change (SIFT: "Tolerated"; PolyPhen-2: "Not Available"; Align-GVGD: "Class C0"). This sequence change replaces alanine, which is neutral and non-polar, with valine, which is neutral and non-polar, at codon 20 of the TAPBP protein (p.Ala20Val). This variant is not present in population databases (gnomAD no frequency). This variant has not been reported in the literature in individuals affected with TAPBP-related conditions.